The following is an entry in ClinVar:

NM_000488.4(SERPINC1):c.851T>G (p.Met284Arg)

Gene: SERPINC1 (serpin family C member 1; minus strand). Cytogenetic location: 1q25.1.
Variant type: single nucleotide variant.
Coding change: c.851T>G on transcript NM_000488.4 (MANE Select); coding-DNA position 851, T replaced by G.
Protein change: p.Met284Arg; replaces methionine 284 with arginine.
Molecular consequence: missense variant.
Genome position (GRCh38, 1-based): chr1:173,909,854, A>C on the plus strand (T>G on the coding strand, the complement: SERPINC1 is on the minus strand). VCF-style: chr1-173909854-A-C. GRCh37 (hg19) VCF-style: chr1-173878992-A-C.
Other names: c.707T>G, p.Met236Arg (NM_001365052.2); c.974T>G, p.Met325Arg (NM_001386302.1); c.932T>G, p.Met311Arg (NM_001386303.1); c.830T>G, p.Met277Arg (NM_001386304.1); c.794T>G, p.Met265Arg (NM_001386305.1); c.635T>G, p.Met212Arg (NM_001386306.1); short protein forms M212R, M236R, M265R, M277R, M284R, M311R, M325R.
Identifiers: ClinVar variation 1684312 (VCV001684312.1), dbSNP rs1572088737, ClinGen allele CA343774540.

ClinVar aggregate classification (germline): Likely pathogenic (0 of 4 stars; one submission).

Conditions:
Hereditary antithrombin deficiency (AT3D). Also called: Thrombophilia due to antithrombin III deficiency; Antithrombin III deficiency; Reduced antithrombin III activity; Antithrombin deficiency. Identifiers: Orphanet 82, MedGen C0272375, MONDO:0013144, OMIM 613118, HP:0001976.

Submission:

ISTH-SSC Genomics in Thrombosis and Hemostasis, KU Leuven, Center for Molecular and Vascular Biology
Classification: Likely pathogenic for Hereditary antithrombin deficiency. Review status: no assertion criteria provided. Collection method: research. Allele origin: unknown. Affected: yes.
Comment: Submitted to GoldVariant by Dr Karyn Mégy from NIHR Bioresource - Cambridge University, UK